The following is an entry in ClinVar:

ClinVar aggregate classification (germline): not provided (0 of 4 stars; one submission).

Conditions:
Seizures, benign familial neonatal, 1. Also called: Benign Neonatal Epilepsy 1; KCNQ2-Related Benign Familial Neonatal Epilepsy; KCNQ2-Related Self-Limited Familial Neonatal Epilepsy (SLFNE); Seizures, benign neonatal, 1. Identifiers: Orphanet 1949, MedGen C3149074, MONDO:0007365, OMIM 121200.

Submission:

GeneReviews
No classification provided. Condition: Seizures, benign familial neonatal, 1. Review status: no classification provided. Collection method: literature only. Allele origin: germline. Affected: yes.
Comment: BFNE (benign familial neonatal epilepsy)

Literature cited by the submitters: PubMed 17129708; NCBI Bookshelf NBK32534.

NM_172107.4(KCNQ2):c.388-1_389del

Gene: KCNQ2 (potassium voltage-gated channel subfamily Q member 2; minus strand). Cytogenetic location: 20q13.33.
Variant type: Deletion.
Coding change: c.388-1_389del on transcript NM_172107.4 (MANE Select); the canonical splice acceptor site of the intron before coding-DNA position 388 through coding-DNA position 389, 3 bases deleted (GGA; older notation c.388-1_389delGGA).
Molecular consequence: splice acceptor variant.
Genome position (GRCh38, 1-based): chr20:63,445,363-63,445,365, TCC deleted on the plus strand (GGA on the coding strand, the reverse complement: KCNQ2 is on the minus strand); deleting any 3 consecutive bases within chr20:63,445,363-63,445,366 gives the same sequence; the c. name uses the placement nearest the transcript's 3' end. VCF-style (leftmost placement, unchanged base first): chr20-63445362-TTCC-T. GRCh37 (hg19) VCF-style: chr20-62076715-TTCC-T.
Other names: c.388-1_389del (NM_004518.6, NM_172108.5, NM_172106.3 and 1 more transcripts).
Identifiers: ClinVar variation 21789 (VCV000021789.2), dbSNP rs118192196, ClinGen allele CA342509.